The following is an entry in ClinVar:

NM_006348.5(COG5):c.118G>A (p.Glu40Lys)

Gene: COG5 (component of oligomeric golgi complex 5; minus strand). Cytogenetic location: 7q22.3.
Variant type: single nucleotide variant.
Coding change: c.118G>A on transcript NM_006348.5 (MANE Select); coding-DNA position 118, G replaced by A.
Protein change: p.Glu40Lys; replaces glutamic acid 40 with lysine.
Molecular consequence: missense variant.
Genome position (GRCh38, 1-based): chr7:107,558,092, C>T on the plus strand (G>A on the coding strand, the complement: COG5 is on the minus strand). VCF-style: chr7-107558092-C-T. GRCh37 (hg19) VCF-style: chr7-107198537-C-T.
Other names: c.118G>A, p.Glu40Lys (NM_001161520.2, NM_001379511.1, NM_001379512.1 and 5 more transcripts); short protein forms E40K.
Identifiers: ClinVar variation 1053331 (VCV001053331.9), dbSNP rs781059953, ClinGen allele CA368823737.

ClinVar aggregate classification (germline): Uncertain significance (1 of 4 stars; one submission).

Conditions:
COG5-congenital disorder of glycosylation. Also called: CONGENITAL DISORDER OF GLYCOSYLATION, TYPE IIi; COG5-CDG; CDG IIi. Identifiers: Orphanet 263487, MedGen C3150876, MONDO:0013325, OMIM 613612.

gnomAD v4.1: 5 of 1,613,664 alleles (0.00031%); highest among the groups gnomAD compares: South Asian, 0.0011%; no homozygotes.

Submission:

Labcorp Genetics (formerly Invitae), Labcorp
Classification: Uncertain significance for COG5-congenital disorder of glycosylation. Last evaluated: 2020-10-03. Review status: criteria provided, single submitter. Criteria: Invitae Variant Classification Sherloc (09022015). Collection method: clinical testing. Allele origin: germline.
Comment: This sequence change replaces glutamic acid with lysine at codon 71 of the COG5 protein (p.Glu71Lys). The glutamic acid residue is moderately conserved and there is a small physicochemical difference between glutamic acid and lysine. This variant is not present in population databases (ExAC no frequency). This variant has not been reported in the literature in individuals with COG5-related conditions. Algorithms developed to predict the effect of missense changes on protein structure and function (SIFT, PolyPhen-2, Align-GVGD) all suggest that this variant is likely to be tolerated, but these predictions have not been confirmed by published functional studies and their clinical significance is uncertain. In summary, the available evidence is currently insufficient to determine the role of this variant in disease. Therefore, it has been classified as a Variant of Uncertain Significance.